The following is an entry in ClinVar:

NM_000044.6(AR):c.654C>T (p.Pro218=)

Gene: AR (androgen receptor; plus strand). Cytogenetic location: Xq12.
Variant type: single nucleotide variant.
Coding change: c.654C>T on transcript NM_000044.6 (MANE Select); coding-DNA position 654, C replaced by T.
Protein change: p.Pro218=; no amino-acid change (proline 218 retained).
Molecular consequence: synonymous variant. On other transcripts: 5 prime UTR variant (1).
Genome position (GRCh38, 1-based): chrX:67,545,800, C>T. VCF-style: chrX-67545800-C-T. GRCh37 (hg19) VCF-style: chrX-66765642-C-T.
Other names: c.-1130C>T (NM_001011645.3); c.654C>T, p.Pro218= (NM_001348061.1, NM_001348063.1, NM_001348064.1); c.654C>T (NM_000044.3).
Identifiers: ClinVar variation 377498 (VCV000377498.7), dbSNP rs751027309, ClinGen allele CA10436307.

ClinVar aggregate classification (germline): Benign/Likely benign. Review status: criteria provided, multiple submitters, no conflicts (2 of 4 stars). 4 submissions from 4 submitters: Benign (1); Likely benign (2). 1 of the submissions does not count toward it. Last evaluated 2025-09-14.

Conditions:
AR-related disorder. Also called: AR-related condition.
Kennedy disease (SMAX1). Also called: SPINAL AND BULBAR MUSCULAR ATROPHY, X-LINKED 1; KENNEDY SPINAL AND BULBAR MUSCULAR ATROPHY; Spinal and Bulbar Muscular Atrophy. Identifiers: Orphanet 481, MedGen C1839259, MONDO:0010735, OMIM 313200.
Androgen resistance syndrome (AIS). Also called: ANDROGEN RECEPTOR DEFICIENCY; DHTR DEFICIENCY; Androgen insensitivity syndrome due to coactivator deficiency; Androgen insensitivity, complete; DIHYDROTESTOSTERONE RECEPTOR DEFICIENCY; Androgen insensitivity syndrome. Identifiers: Orphanet 754, Orphanet 99429, MedGen C0039585, MONDO:0019154, OMIM 300068. Disease mechanism: loss of function.

Allele frequency attached by ClinVar (database versions not stated): gnomAD below 0.00001 and 0.00009; TOPMed 0.00001; gnomAD exomes 0.00009 and 0.00022; ExAC 0.00028; 1000 Genomes Project 0.00053; 1000 Genomes Project 30x 0.00062.
gnomAD v4.1: 112 of 1,210,796 alleles (0.0093%); highest among the groups gnomAD compares: South Asian, 0.19%; 1 homozygote.

Submissions (4):

Labcorp Genetics (formerly Invitae), Labcorp
Classification: Benign for Kennedy disease; Androgen resistance syndrome. Last evaluated: 2025-09-14. Review status: criteria provided, single submitter. Criteria: Invitae Variant Classification Sherloc (09022015). Collection method: clinical testing. Allele origin: germline.

PreventionGenetics, part of Exact Sciences
Classification: Likely benign for AR-related condition. Last evaluated: 2024-10-03. Review status: criteria provided, single submitter. Criteria: ACMG Guidelines, 2015. Collection method: clinical testing. Allele origin: germline.
Comment: This variant is classified as likely benign based on ACMG/AMP sequence variant interpretation guidelines (Richards et al. 2015 PMID: 25741868, with internal and published modifications).

GeneDx
Classification: Likely benign. Last evaluated: 2016-03-22. Review status: criteria provided, single submitter. Criteria: GeneDx Variant Classification (06012015). Collection method: clinical testing. Allele origin: germline. Affected: yes.
Comment: This variant is considered likely benign or benign based on one or more of the following criteria: it is a conservative change, it occurs at a poorly conserved position in the protein, it is predicted to be benign by multiple in silico algorithms, and/or has population frequency not consistent with disease.

Genetic Services Laboratory, University of Chicago
Classification: Benign. Last evaluated: 2022-08-01. Review status: no assertion criteria provided. Collection method: clinical testing. Allele origin: germline. Affected: no. Not counted in ClinVar's aggregate classification.